The following is an entry in ClinVar:

NM_000180.4(GUCY2D):c.13G>A (p.Ala5Thr)

Gene: GUCY2D (guanylate cyclase 2D, retinal; plus strand). Cytogenetic location: 17p13.1.
Variant type: single nucleotide variant.
Coding change: c.13G>A on transcript NM_000180.4 (MANE Select); coding-DNA position 13, G replaced by A.
Protein change: p.Ala5Thr; replaces alanine 5 with threonine.
Molecular consequence: missense variant.
Genome position (GRCh38, 1-based): chr17:8,003,060, G>A. VCF-style: chr17-8003060-G-A. GRCh37 (hg19) VCF-style: chr17-7906378-G-A.
Other names: short protein forms A5T.
Identifiers: ClinVar variation 937056 (VCV000937056.9), dbSNP rs1975657312, ClinGen allele CA397942285.
Genomic context (GRCh38, chr17:8,003,060, plus strand): 5'-GGGTCTCAGTCGCTCAGCCTGCTCCGTCTGTGTTCGCAGAAGCCGGCAATGACCGCCTGC[G>A]CCCGCCGAGCGGGTGGGCTTCCGGACCCCGGGCTCTGCGGTCCCGCGTGGTGGGCTCCGT-3'
Protein context (NP_000171.1, residues 1-15): MTAC[Ala5Thr]RRAGGLPDPG

ClinVar aggregate classification (germline): Uncertain significance (1 of 4 stars; one submission).

Conditions:
Leber congenital amaurosis 1 (LCA1). Also called: AMAUROSIS CONGENITA OF LEBER I; Congenital absence of the rods and cones; Leber's congenital tapetoretinal degeneration; Leber's congenital tapetoretinal dysplasia; RETINAL BLINDNESS, CONGENITAL. Identifiers: Orphanet 65, MedGen C2931258, MONDO:0008764, OMIM 204000.
Cone-rod dystrophy 6 (CORD6). Also called: Cone dystrophy progressive; RETINAL CONE DYSTROPHY 2. Identifiers: Orphanet 1872, MedGen C1866293, MONDO:0011143, OMIM 601777.

Allele frequency attached by ClinVar (database versions not stated): gnomAD exomes 0.00002.

Submission:

Labcorp Genetics (formerly Invitae), Labcorp
Classification: Uncertain significance for Leber congenital amaurosis 1; Cone-rod dystrophy 6. Last evaluated: 2020-10-30. Review status: criteria provided, single submitter. Criteria: Invitae Variant Classification Sherloc (09022015). Collection method: clinical testing. Allele origin: germline.
Comment: This sequence change replaces alanine with threonine at codon 5 of the GUCY2D protein (p.Ala5Thr). The alanine residue is weakly conserved and there is a small physicochemical difference between alanine and threonine. The frequency data for this variant in the population databases is considered unreliable, as metrics indicate insufficient coverage at this position in the ExAC database. This variant has not been reported in the literature in individuals with GUCY2D-related conditions. Algorithms developed to predict the effect of missense changes on protein structure and function output the following: SIFT: "Tolerated"; PolyPhen-2: "Benign"; Align-GVGD: "Class C0". The threonine amino acid residue is found in multiple mammalian species, suggesting that this missense change does not adversely affect protein function. These predictions have not been confirmed by published functional studies and their clinical significance is uncertain. In summary, the available evidence is currently insufficient to determine the role of this variant in disease. Therefore, it has been classified as a Variant of Uncertain Significance.